The following is an entry in ClinVar:

NM_022575.4(VPS16):c.1694C>G (p.Ala565Gly)

Genes: PTPRA (protein tyrosine phosphatase receptor type A; plus strand), VPS16 (VPS16 core subunit of CORVET and HOPS complexes; plus strand). Cytogenetic location: 20p13.
Variant type: single nucleotide variant.
Coding change: c.1694C>G on transcript NM_022575.4 (MANE Select); coding-DNA position 1694, C replaced by G.
Protein change: p.Ala565Gly; replaces alanine 565 with glycine.
Molecular consequence: missense variant. On other transcripts: 5 prime UTR variant (1).
Genome position (GRCh38, 1-based): chr20:2,864,261, C>G. VCF-style: chr20-2864261-C-G. GRCh37 (hg19) VCF-style: chr20-2844907-C-G.
Other names: c.-609C>G (NM_002836.4); c.1262C>G, p.Ala421Gly (NM_080413.3); short protein forms A421G, A565G.
Identifiers: ClinVar variation 3781186 (VCV003781186.1).
Genomic context (GRCh38, chr20:2,864,261, plus strand): 5'-CAGGGGAGCAGGTACCCCTTCTCCTAAAGATGAAGAGGAGCAAACTGGCACTAAGCAAGG[C>G]CATCGAGAGCGGGGACACTGACCTGGGTGAGGGCAAGGCTGGGGGGCCCCTGGGCTAAGT-3'
Protein context (NP_072097.2, residues 555-575): MKRSKLALSK[Ala565Gly]IESGDTDLVF

ClinVar aggregate classification (germline): Uncertain significance (1 of 4 stars; one submission).

gnomAD v4.1: 1 of 1,614,242 alleles (0.000062%); highest among the groups gnomAD compares: Admixed American, 0.0017%; no homozygotes.

Submission:

GeneDx
Classification: Uncertain significance. Last evaluated: 2024-10-20. Review status: criteria provided, single submitter. Criteria: GeneDx Variant Classification Process June 2021. Collection method: clinical testing. Allele origin: germline. Affected: yes.
Comment: Not observed at significant frequency in large population cohorts (gnomAD); In silico analysis supports that this missense variant has a deleterious effect on protein structure/function; Has not been previously published as pathogenic or benign to our knowledge